The following is an entry in ClinVar:

ClinVar aggregate classification (germline): Uncertain significance (1 of 4 stars; one submission).

Conditions:
Fanconi anemia (FA). Also called: Fanconi's anemia. Identifiers: Orphanet 84, MedGen C0015625, MeSH D005199, MONDO:0019391.

Submission:

Labcorp Genetics (formerly Invitae), Labcorp
Classification: Uncertain significance for Fanconi anemia. Last evaluated: 2025-10-15. Review status: criteria provided, single submitter. Criteria: Invitae Variant Classification Sherloc (09022015). Collection method: clinical testing. Allele origin: germline.
Comment: This sequence change falls in intron 2 of the FANCI gene. It does not directly change the encoded amino acid sequence of the FANCI protein. It affects a nucleotide within the consensus splice site. This variant is not present in population databases (gnomAD no frequency). This variant has not been reported in the literature in individuals affected with FANCI-related conditions. Variants that disrupt the consensus splice site are a relatively common cause of aberrant splicing (PMID: 17576681, 9536098). Algorithms developed to predict the effect of sequence changes on RNA splicing suggest that this variant may disrupt the consensus splice site. In summary, the available evidence is currently insufficient to determine the role of this variant in disease. Therefore, it has been classified as a Variant of Uncertain Significance.

Literature cited by the submitters: PubMed 17576681; PubMed 9536098.

NM_001113378.2(FANCI):c.84+3_84+6del

Gene: FANCI (FA complementation group I; plus strand). Cytogenetic location: 15q26.1.
Variant type: Deletion.
Coding change: c.84+3_84+6del on transcript NM_001113378.2 (MANE Select); bases 3 to 6 of the intron after coding-DNA position 84, 4 bases deleted (GAGT; older notation c.84+3_84+6delGAGT).
Molecular consequence: splice donor variant. On other transcripts: intron variant (1).
Genome position (GRCh38, 1-based): chr15:89,247,734-89,247,737, GAGT deleted; deleting any 4 consecutive bases within chr15:89,247,732-89,247,737 gives the same sequence; the c. name uses the placement nearest the transcript's 3' end. VCF-style (leftmost placement, unchanged base first): chr15-89247731-TGTGA-T. GRCh37 (hg19) VCF-style: chr15-89790962-TGTGA-T.
Other names: c.84+3_84+6del (NM_018193.3, NM_001376911.1); c.-196+8_-196+11del (NM_001376910.1).
Identifiers: ClinVar variation 4706132 (VCV004706132.1).